The following is an entry in ClinVar:

ClinVar aggregate classification (germline): Uncertain significance (1 of 4 stars; one submission).

Allele frequency attached by ClinVar (database versions not stated): gnomAD exomes below 0.00001 and 0.00001; gnomAD 0.00001; TOPMed 0.00002.

Submission:

Labcorp Genetics (formerly Invitae), Labcorp
Classification: Uncertain significance. Last evaluated: 2022-07-25. Review status: criteria provided, single submitter. Criteria: Invitae Variant Classification Sherloc (09022015). Collection method: clinical testing. Allele origin: germline.
Comment: In summary, the available evidence is currently insufficient to determine the role of this variant in disease. Therefore, it has been classified as a Variant of Uncertain Significance. Algorithms developed to predict the effect of missense changes on protein structure and function (SIFT, PolyPhen-2, Align-GVGD) all suggest that this variant is likely to be disruptive. ClinVar contains an entry for this variant (Variation ID: 1441029). This variant has not been reported in the literature in individuals affected with GUF1-related conditions. This variant is present in population databases (no rsID available, gnomAD 0.008%). This sequence change replaces leucine, which is neutral and non-polar, with glutamine, which is neutral and polar, at codon 663 of the GUF1 protein (p.Leu663Gln).

NM_021927.3(GUF1):c.1988T>A (p.Leu663Gln)

Gene: GUF1 (GTP binding elongation factor GUF1; plus strand). Cytogenetic location: 4p12.
Variant type: single nucleotide variant.
Coding change: c.1988T>A on transcript NM_021927.3 (MANE Select); coding-DNA position 1988, T replaced by A.
Protein change: p.Leu663Gln; replaces leucine 663 with glutamine.
Molecular consequence: missense variant.
Genome position (GRCh38, 1-based): chr4:44,698,659, T>A. VCF-style: chr4-44698659-T-A. GRCh37 (hg19) VCF-style: chr4-44700676-T-A.
Other names: c.1016T>A, p.Leu339Gln (NM_001345867.2, NM_001345869.2); c.1868T>A, p.Leu623Gln (NM_001345868.2); short protein forms L339Q, L663Q, L623Q.
Identifiers: ClinVar variation 1441029 (VCV001441029.8), dbSNP rs944668237, ClinGen allele CA96525254.
Genomic context (GRCh38, chr4:44,698,659, plus strand): 5'-AAAAAAAGCTGAGGAAAATTGGCAACGTTGAAGTTCCAAAAGATGCTTTTATAAAAGTTC[T>A]GAAAACACAATCTTCTAAATAATTGGTGGGAAAACAAAGAATTTTCATTGCAATTTGTAA-3'
Protein context (NP_068746.2, residues 653-669): EVPKDAFIKV[Leu663Gln]KTQSSK